The following is an entry in ClinVar:

ClinVar aggregate classification (germline): Conflicting classifications of pathogenicity. Review status: criteria provided, conflicting classifications (1 of 4 stars). 6 submissions from 6 submitters: Likely pathogenic (2); Uncertain significance (3). 1 of the submissions does not count toward it. Last evaluated 2023-06-23.

Conditions:
Infantile onset spinocerebellar ataxia (MTDPS7). Also called: Mitochondrial DNA depletion syndrome 7 (hepatocerebral type); OPHTHALMOPLEGIA, HYPOTONIA, ATAXIA, HYPOACUSIS, AND ATHETOSIS; OHAHA SYNDROME; SPINOCEREBELLAR ATAXIA, INFANTILE, WITH SENSORY NEUROPATHY. Identifiers: Orphanet 1186, MedGen C1849096, MONDO:0010060, OMIM 271245.
Perrault syndrome 5 (PRLTS5). Identifiers: Orphanet 2855, MedGen C4015307, MONDO:0014504, OMIM 616138.
Perrault syndrome. Also called: Gonadal dysgenesis with auditory dysfunction, autosomal recessive inheritance. Identifiers: Orphanet 2855, MedGen C0685838, MONDO:0017312.
TWNK-related disorder. Also called: TWNK-related condition.
Mitochondrial disease. Also called: Mitochondrial disorder; Mitochondrial disorders. Identifiers: Orphanet 68380, MedGen C0751651, MeSH D028361, MONDO:0044970.

Allele frequency attached by ClinVar (database versions not stated): gnomAD exomes below 0.00001; TOPMed below 0.00001; ExAC 0.00001.

Submissions (6):

Illumina Laboratory Services, Illumina
Classification: Likely pathogenic for Mitochondrial disease. Last evaluated: 2023-06-23. Review status: criteria provided, single submitter. Criteria: ICSLVariantClassificationCriteria RUGD 01 April 2020. Collection method: clinical testing. Allele origin: unknown.
Comment: The TWNK c.793C>T (p.Arg265Cys) missense variant has been reported in the homozygous state in three siblings with phenotype consistent with infantile-onset spinocerebellar ataxia (IOSCA) in the available peer-reviewed literature (PMID: 27650058). This variant is not observed at a significant frequency in version 2.1.1 or version 3.1.2 of the Genome Aggregation Database. Multiple lines of computational evidence suggest the variant may impact the gene or gene product. The c.793C>T variant was detected in trans with a likely pathogenic variant. Based on the available evidence, the c.793C>T (p.Arg265Cys) variant is classified as likely pathogenic for primary mitochondrial disease.

PreventionGenetics, part of Exact Sciences
Classification: Uncertain significance for TWNK-related condition. Last evaluated: 2022-12-12. Review status: criteria provided, single submitter. Criteria: ACMG Guidelines, 2015. Collection method: clinical testing. Allele origin: germline.
Comment: The TWNK c.793C>T variant is predicted to result in the amino acid substitution p.Arg265Cys. This variant was reported in the homozygous state in three siblings with Perrault syndrome with neurologic features from a consanguineous family (reported as the C10orf2 gene in Pedigree XII, Lerat et al. 2016. PubMed ID: 27650058). This variant is reported in 0.0033% of alleles in individuals of South Asian descent in gnomAD. At this time, the clinical significance of this variant is uncertain due to the absence of conclusive functional and genetic evidence.

Labcorp Genetics (formerly Invitae), Labcorp
Classification: Uncertain significance. Last evaluated: 2021-09-15. Review status: criteria provided, single submitter. Criteria: Invitae Variant Classification Sherloc (09022015). Collection method: clinical testing. Allele origin: germline.
Comment: This variant is present in population databases (rs764669712, ExAC 0.006%). This missense change has been observed in individual(s) with autosomal recessive Perrault syndrome (PMID: 27650058). ClinVar contains an entry for this variant (Variation ID: 694394). Algorithms developed to predict the effect of missense changes on protein structure and function are either unavailable or do not agree on the potential impact of this missense change (SIFT: "Tolerated"; PolyPhen-2: "Possibly Damaging"; Align-GVGD: "Class C0"). This variant disrupts the p.Arg265 amino acid residue in TWNK. Other variant(s) that disrupt this residue have been observed in individuals with TWNK-related conditions (PMID: 31055809), which suggests that this may be a clinically significant amino acid residue. In summary, the available evidence is currently insufficient to determine the role of this variant in disease. Therefore, it has been classified as a Variant of Uncertain Significance. This sequence change replaces arginine with cysteine at codon 265 of the TWNK protein (p.Arg265Cys). The arginine residue is moderately conserved and there is a large physicochemical difference between arginine and cysteine.

Diagnostics Services (NGS), CSIR - Centre For Cellular And Molecular Biology
Classification: Uncertain significance for Infantile onset spinocerebellar ataxia; Perrault syndrome 5. Last evaluated: 2019-07-31. Review status: criteria provided, single submitter. Criteria: ACMG Guidelines, 2015. Collection method: clinical testing. Allele origin: germline. Inheritance: Autosomal recessive inheritance. Affected: yes. Observed: 1 homozygote.

Neuberg Centre For Genomic Medicine, NCGM
Classification: Likely pathogenic for Perrault syndrome 5. Review status: criteria provided, single submitter. Criteria: ACMG Guidelines, 2015. Collection method: clinical testing. Allele origin: germline. Inheritance: Autosomal recessive inheritance. Affected: yes.
Comment: The missense c.793C>T(p.Arg265Cys) variant has been reported in homozygous and compound heterozygous state in multiple individuals affected with Perrault Syndrome (Wei L, et. al.,2022; Ołdak M, et. al.,2017). The p.Arg265Cys variant is reported with an allele frequency of 0.0003% in the gnomAD exomes database and is novel (not in any individuals) in 1000 Genomes database. This variant has been reported to the ClinVar database as Uncertain significance. The amino acid Arg at position 265 is changed to a Cys changing protein sequence and it might alter its composition and physico-chemical properties. Functional studies are required to prove pathogenicity of the variant. For these reasons, this variant has been classified as Likely Pathogenic.

GeneReviews
No classification provided. Condition: Perrault syndrome. Review status: no classification provided. Collection method: literature only. Allele origin: germline. Not counted in ClinVar's aggregate classification.

Literature cited by the submitters: PubMed 27650058 (cited by Labcorp Genetics (formerly Invitae), Labcorp); PubMed 31055809 (cited by Labcorp Genetics (formerly Invitae), Labcorp).

NM_021830.5(TWNK):c.793C>T (p.Arg265Cys)

Gene: TWNK (twinkle mtDNA helicase; plus strand). Cytogenetic location: 10q24.31.
Variant type: single nucleotide variant.
Coding change: c.793C>T on transcript NM_021830.5 (MANE Select); coding-DNA position 793, C replaced by T.
Protein change: p.Arg265Cys; replaces arginine 265 with cysteine.
Molecular consequence: missense variant. On other transcripts: non-coding transcript variant (4), intron variant (3).
Genome position (GRCh38, 1-based): chr10:100,989,003, C>T. VCF-style: chr10-100989003-C-T. GRCh37 (hg19) VCF-style: chr10-102748760-C-T.
Other names: c.793C>T (NM_021830.4); c.793C>T, p.Arg265Cys (NM_001163812.2); c.-119-641C>T (NM_001163814.2, NM_001163813.2); c.-57-703C>T (NM_001368275.1); short protein forms R265C.
Identifiers: ClinVar variation 694394 (VCV000694394.13), dbSNP rs764669712, ClinGen allele CA5653118.